The following is an entry in ClinVar:

NM_001267550.2(TTN):c.105091G>A (p.Val35031Met)

Genes: TTN (titin; minus strand), TTN-AS1 (TTN antisense RNA 1; plus strand). Cytogenetic location: 2q31.2.
Variant type: single nucleotide variant.
Coding change: c.105091G>A on transcript NM_001267550.2 (MANE Select); coding-DNA position 105091, G replaced by A.
Protein change: p.Val35031Met; replaces valine 35031 with methionine.
Molecular consequence: missense variant.
Genome position (GRCh38, 1-based): chr2:178,531,524, C>T on the plus strand (G>A on the coding strand, the complement: TTN is on the minus strand). VCF-style: chr2-178531524-C-T. GRCh37 (hg19) VCF-style: chr2-179396251-C-T.
Other names: c.100168G>A, p.Val33390Met (NM_001256850.1); c.77896G>A, p.Val25966Met (NM_003319.4); c.97387G>A, p.Val32463Met (NM_133378.4); c.78271G>A, p.Val26091Met (NM_133432.3); c.78472G>A, p.Val26158Met (NM_133437.4); short protein forms V35031M, V26158M, V32463M, V25966M, V26091M, V33390M.
Identifiers: ClinVar variation 535472 (VCV000535472.19), dbSNP rs552058608, ClinGen allele CA1985308.
Genomic context (GRCh38, chr2:178,531,524, plus strand): 5'-ATCTGGGGACCTCTTCATCTCTGCGTTGGGAAGCATAGGTGGTATAATCCCCTCCTGTCA[C>T]GTCCAACGTTGCATAGTCAGAAGCTTCGCCCTTGTAGTTGGTGCACACAGCACGGTAGGT-3'
Protein context (NP_001254479.2, residues 35021-35041): GEASDYATLD[Val35031Met]TGGDYTTYAS

ClinVar aggregate classification (germline): Conflicting classifications of pathogenicity. Review status: criteria provided, conflicting classifications (1 of 4 stars). 7 submissions from 7 submitters: Uncertain significance (5); Likely benign (2). Last evaluated 2026-03-26.

Conditions:
Cardiovascular phenotype. Identifiers: MedGen CN230736.
Dilated cardiomyopathy 1G (CMD1G). Identifiers: Orphanet 154, MedGen C1858763, MONDO:0011400, OMIM 604145.
Autosomal recessive limb-girdle muscular dystrophy type 2J (LGMDR10). Also called: MUSCULAR DYSTROPHY, LIMB-GIRDLE, AUTOSOMAL RECESSIVE 10; Limb-girdle muscular dystrophy, type 2J. Identifiers: Orphanet 140922, MedGen C1837342, MONDO:0012127, OMIM 608807.
TTN-related disorder. Also called: TTN-related condition; TTN-related disease; TTN-related disorders.

Allele frequency attached by ClinVar (database versions not stated): gnomAD exomes 0.00004; ExAC 0.00005; gnomAD 0.00009; TOPMed 0.00010; 1000 Genomes Project 30x 0.00016; 1000 Genomes Project 0.00020.
gnomAD v4.1: 61 of 1,613,954 alleles (0.0038%); highest among the groups gnomAD compares: African/African-American, 0.024%; no homozygotes.

Submissions (7):

PreventionGenetics, part of Exact Sciences
Classification: Uncertain significance for TTN-related condition. Last evaluated: 2026-03-26. Review status: criteria provided, single submitter. Criteria: ACMG Guidelines, 2015. Collection method: clinical testing. Allele origin: germline.
Comment: The TTN c.105091G>A variant is predicted to result in the amino acid substitution p.Val35031Met. To our knowledge, this variant has not been reported in the literature. This variant is reported in 0.025% of alleles in individuals of African descent in gnomAD. At this time, the clinical significance of this variant is uncertain due to the absence of conclusive functional and genetic evidence.

Molecular Diagnostic Laboratory for Inherited Cardiovascular Disease, Montreal Heart Institute
Classification: Likely benign. Last evaluated: 2025-04-09. Review status: criteria provided, single submitter. Criteria: ACMG Guidelines, 2015. Collection method: clinical testing. Allele origin: germline. Affected: no.

Revvity Omics, Revvity
Classification: Uncertain significance. Last evaluated: 2023-01-31. Review status: criteria provided, single submitter. Criteria: ACMG Guidelines, 2015. Collection method: clinical testing. Allele origin: germline.

ARUP Laboratories, Molecular Genetics and Genomics, ARUP Laboratories
Classification: Uncertain significance. Last evaluated: 2020-10-01. Review status: criteria provided, single submitter. Criteria: ARUP Molecular Germline Variant Investigation Process 2021. Collection method: clinical testing. Allele origin: germline.
Comment: The TTN c.105091G>A; p.Val35031Met variant (rs552058608; ClinVar Variation ID: 535472) is rare in the general population (<0.2% allele frequency in the Genome Aggregation Database) and has not been reported in the medical literature in association with dilated cardiomyopathy (DCM) or other TTN-related disease. The clinical relevance of rare missense variants in this gene, which are identified on average once per individual sequenced in affected populations (Herman 2012), is not well understood. Yet, evidence suggests that the vast majority of such missense variants do not contribute to the clinical outcome of DCM (Begay 2015). Thus, the clinical significance of the p.Val35031Met variant cannot be determined with certainty. References: Begay RL et al. Role of Titin Missense Variants in Dilated Cardiomyopathy. J Am Heart Assoc. 2015 Nov 13;4(11). Herman DS et al. Truncations of titin causing dilated cardiomyopathy. N Engl J Med. 2012 Feb 16;366(7):619-28. Linke WA and Hamdani N. Gigantic business: titin properties and function through thick and thin. Circ Res 2014; 114(6): 1052-1068.

Ambry Genetics
Classification: Uncertain significance for Cardiovascular phenotype. Last evaluated: 2020-03-06. Review status: criteria provided, single submitter. Criteria: Ambry Variant Classification Scheme 2023. Collection method: clinical testing. Allele origin: germline.
Comment: The p.V25966M variant (also known as c.77896G>A), located in coding exon 185 of the TTN gene, results from a G to A substitution at nucleotide position 77896. The valine at codon 25966 is replaced by methionine, an amino acid with highly similar properties. This amino acid position is highly conserved in available vertebrate species. In addition, the in silico prediction for this alteration is inconclusive. Since supporting evidence is limited at this time, the clinical significance of this alteration remains unclear.

GeneDx
Classification: Likely benign. Last evaluated: 2020-01-16. Review status: criteria provided, single submitter. Criteria: GeneDx Variant Classification Process June 2021. Collection method: clinical testing. Allele origin: germline. Affected: yes.

Labcorp Genetics (formerly Invitae), Labcorp
Classification: Uncertain significance for Dilated cardiomyopathy 1G; Autosomal recessive limb-girdle muscular dystrophy type 2J. Last evaluated: 2017-08-11. Review status: criteria provided, single submitter. Criteria: Invitae Variant Classification Sherloc (09022015). Collection method: clinical testing. Allele origin: germline.